The following is an entry in ClinVar:

NM_001323289.2(CDKL5):c.2828_2829del (p.Arg943fs)

Gene: CDKL5 (cyclin dependent kinase like 5; plus strand). Cytogenetic location: Xp22.13.
Variant type: Deletion.
Coding change: c.2828_2829del on transcript NM_001323289.2 (MANE Select); coding-DNA positions 2828 to 2829, 2 bases deleted (GA; older notation c.2828_2829delGA).
Protein change: p.Arg943fs; shifts the reading frame from arginine 943.
Molecular consequence: frameshift variant. On other transcripts: intron variant (2).
Genome position (GRCh38, 1-based): chrX:18,628,702-18,628,703, GA deleted; deleting any 2 consecutive bases within chrX:18,628,701-18,628,703 gives the same sequence; the c. name uses the placement nearest the transcript's 3' end. VCF-style (leftmost placement, unchanged base first): chrX-18628700-CAG-C. GRCh37 (hg19) VCF-style: chrX-18646820-CAG-C.
Other names: NM_001323289.1:c.2827_2828delAG; p.R943Nfs*11; c.2713+115_2713+116del (NM_003159.3, NM_001037343.2); short protein forms R943fs.
Identifiers: ClinVar variation 441534 (VCV000441534.8), dbSNP rs1555955290, ClinGen allele CA658684281.

ClinVar aggregate classification (germline): Likely pathogenic. Review status: criteria provided, multiple submitters, no conflicts (2 of 4 stars). 4 submissions from 4 submitters: Likely pathogenic (3). 1 of the submissions does not count toward it. Last evaluated 2023-09-07.

Conditions:
Developmental and epileptic encephalopathy, 2 (DEE2). Also called: INFANTILE SPASM SYNDROME, X-LINKED 2; CDKL5 deficiency disorder. Identifiers: Orphanet 1934, Orphanet 3451, Orphanet 505652, MedGen C4750718, MONDO:0010396, OMIM 300672.
Angelman syndrome-like. Identifiers: MedGen CN128785.

Submissions (4):

Labcorp Genetics (formerly Invitae), Labcorp
Classification: Likely pathogenic for Developmental and epileptic encephalopathy, 2; Angelman syndrome-like. Last evaluated: 2023-09-07. Review status: criteria provided, single submitter. Criteria: Invitae Variant Classification Sherloc (09022015). Collection method: clinical testing. Allele origin: germline.
Comment: This variant is not present in population databases (gnomAD no frequency). This sequence change falls in intron 18 of the CDKL5 gene. It does not directly change the encoded amino acid sequence of the CDKL5 protein on the NM_003159.2 transcript. This variant is also known as NM_001323289.1:c.2828_2829del (p.Arg943Asnfs*11). While this is not anticipated to result in nonsense mediated decay, it is expected to disrupt the last 18 amino acids of the CDKL5 protein on this alternate transcript. This variant has been observed in individual(s) with clinical features of CDKL5-related conditions (PMID: 29444904). In at least one individual the variant was observed to be de novo. ClinVar contains an entry for this variant (Variation ID: 441534). Algorithms developed to predict the effect of sequence changes on RNA splicing suggest that this variant is not likely to affect RNA splicing. In summary, the currently available evidence indicates that the variant is pathogenic, but additional data are needed to prove that conclusively. Therefore, this variant has been classified as Likely Pathogenic.

Baylor Genetics
Classification: Likely pathogenic for Developmental and epileptic encephalopathy, 2. Last evaluated: 2022-01-24. Review status: criteria provided, single submitter. Criteria: ACMG Guidelines, 2015. Collection method: clinical testing. Allele origin: unknown.

Undiagnosed Diseases Network, NIH
Classification: Likely pathogenic for Developmental and epileptic encephalopathy, 2. Last evaluated: 2022-01-24. Review status: criteria provided, single submitter. Criteria: ACMG Guidelines, 2015. Collection method: clinical testing. Allele origin: de novo. Inheritance: Autosomal dominant inheritance. Affected: yes. Observed: 1 variant allele, 1 heterozygote. Study: Undiagnosed Diseases Network (NIH), UDN.

ITMI
Classification: Pathogenic for Developmental and epileptic encephalopathy, 2. Last evaluated: 2017-09-05. Review status: no assertion criteria provided. Collection method: research. Allele origin: de novo. Affected: yes. Observed: 1 variant allele, 1 hemizygote. Not counted in ClinVar's aggregate classification.

Literature cited by the submitters: PubMed 29444904 (cited by Labcorp Genetics (formerly Invitae), Labcorp and ITMI).